The following is an entry in ClinVar:

ClinVar aggregate classification (germline): Uncertain significance (1 of 4 stars; one submission).

Submission:

Genetic Services Laboratory, University of Chicago
Classification: Uncertain significance. Last evaluated: 2021-09-14. Review status: criteria provided, single submitter. Criteria: ACMG Guidelines, 2015. Collection method: clinical testing. Allele origin: germline. Affected: no.
Comment: This sequence change does not appear to have been previously described in patients with ERCC4-related disorders and has been absent from the large population databases such as gnomAD and ExAC. The p.Ser398Gly change affects a highly conserved amino acid residue located in a domain of the ERCC4 protein that is known to be functional. In-silico pathogenicity prediction tools (SIFT, PolyPhen2, Align GVGD, REVEL) provide contradictory results for the p.Ser398Gly substitution. Due to this insufficient evidence and the lack of functional studies, the clinical significance of the p.Ser398Gly change remains unknown at this time.

NM_005236.3(ERCC4):c.1192A>G (p.Ser398Gly)

Gene: ERCC4 (ERCC excision repair 4, endonuclease catalytic subunit; plus strand). Cytogenetic location: 16p13.12.
Variant type: single nucleotide variant.
Coding change: c.1192A>G on transcript NM_005236.3 (MANE Select); coding-DNA position 1192, A replaced by G.
Protein change: p.Ser398Gly; replaces serine 398 with glycine.
Molecular consequence: missense variant.
Genome position (GRCh38, 1-based): chr16:13,934,281, A>G. VCF-style: chr16-13934281-A-G. GRCh37 (hg19) VCF-style: chr16-14028138-A-G.
Other names: short protein forms S398G.
Identifiers: ClinVar variation 1337402 (VCV001337402.4), dbSNP rs2141605947, ClinGen allele CA394807801.